The following is an entry in ClinVar:

ClinVar aggregate classification (germline): Benign (1 of 4 stars; one submission).

Allele frequency attached by ClinVar (database versions not stated): gnomAD exomes 0.00019; 1000 Genomes Project 0.00180; gnomAD 0.00190 and 0.00208; 1000 Genomes Project 30x 0.00203; TOPMed 0.00249.

Submission:

Women's Health and Genetics/Laboratory Corporation of America, LabCorp
Classification: Benign. Last evaluated: 2020-06-25. Review status: criteria provided, single submitter. Criteria: LabCorp Variant Classification Summary - May 2015. Collection method: clinical testing. Allele origin: germline.
Comment: Variant summary: TNFRSF13B c.*98dupG is located in the untranslated mRNA region downstream of the termination codon. 4/4 computational tools predict no significant impact on normal splicing. However, these predictions have yet to be confirmed by functional studies. The variant allele was found at a frequency of 0.002 in 30888 control chromosomes in the gnomAD database, including 1 homozygote. The observed variant frequency is approximately 691 fold of the estimated maximal expected allele frequency for a pathogenic variant in TNFRSF13B causing Common Variable Immunodeficiency phenotype (2.9e-06), strongly suggesting that the variant is benign. To our knowledge, no occurrence of c.*98dupG in individuals affected with Common Variable Immunodeficiency and no experimental evidence demonstrating its impact on protein function have been reported. No clinical diagnostic laboratories have submitted clinical-significance assessments for this variant to ClinVar after 2014. Based on the evidence outlined above, the variant was classified as benign.

NM_012452.3(TNFRSF13B):c.*98dup

Gene: TNFRSF13B (TNF receptor superfamily member 13B; minus strand). Cytogenetic location: 17p11.2.
Variant type: Duplication.
Coding change: c.*98dup on transcript NM_012452.3 (MANE Select); 98 bases downstream of the stop codon, one base duplicated (G; older notation c.*98dupG).
Molecular consequence: 3 prime UTR variant.
Genome position (GRCh38, 1-based): chr17:16,939,449, C duplicated on the plus strand (G on the coding strand, the reverse complement: TNFRSF13B is on the minus strand). VCF-style (leftmost placement, unchanged base first): chr17-16939448-T-TC. GRCh37 (hg19) VCF-style: chr17-16842762-T-TC.
Identifiers: ClinVar variation 933200 (VCV000933200.1), dbSNP rs555681458, ClinGen allele CA288281551.